The following is an entry in ClinVar:

ClinVar aggregate classification (germline): Uncertain significance (1 of 4 stars; one submission).

Conditions:
SCN3A-related disorder. Also called: SCN3A-related condition.

Submission:

PreventionGenetics, part of Exact Sciences
Classification: Uncertain significance for SCN3A-related condition. Last evaluated: 2022-08-22. Review status: criteria provided, single submitter. Criteria: ACMG Guidelines, 2015. Collection method: clinical testing. Allele origin: germline.
Comment: The SCN3A c.4679G>C variant is predicted to result in the amino acid substitution p.Arg1560Pro. To our knowledge, this variant has not been reported in the literature or in a large population database, indicating this variant is rare. At this time, the clinical significance of this variant is uncertain due to the absence of conclusive functional and genetic evidence.

NM_006922.4(SCN3A):c.4679G>C (p.Arg1560Pro)

Gene: SCN3A (sodium voltage-gated channel alpha subunit 3; minus strand). Cytogenetic location: 2q24.3.
Variant type: single nucleotide variant.
Coding change: c.4679G>C on transcript NM_006922.4 (MANE Select); coding-DNA position 4679, G replaced by C.
Protein change: p.Arg1560Pro; replaces arginine 1560 with proline.
Molecular consequence: missense variant.
Genome position (GRCh38, 1-based): chr2:165,092,382, C>G on the plus strand (G>C on the coding strand, the complement: SCN3A is on the minus strand). VCF-style: chr2-165092382-C-G. GRCh37 (hg19) VCF-style: chr2-165948892-C-G.
Other names: c.4532G>C, p.Arg1511Pro (NM_001081676.2, NM_001081677.2); short protein forms R1511P, R1560P.
Identifiers: ClinVar variation 2636555 (VCV002636555.1), dbSNP rs768990821, ClinGen allele CA349019072.